The following is an entry in ClinVar:

NM_017802.4(DNAAF5):c.1180G>A (p.Ala394Thr)

Gene: DNAAF5 (dynein axonemal assembly factor 5; plus strand). Cytogenetic location: 7p22.3.
Variant type: single nucleotide variant.
Coding change: c.1180G>A on transcript NM_017802.4 (MANE Select); coding-DNA position 1180, G replaced by A.
Protein change: p.Ala394Thr; replaces alanine 394 with threonine.
Molecular consequence: missense variant. On other transcripts: non-coding transcript variant (1).
Genome position (GRCh38, 1-based): chr7:754,744, G>A. VCF-style: chr7-754744-G-A. GRCh37 (hg19) VCF-style: chr7-794381-G-A.
Other names: c.1180G>A (NM_017802.3); short protein forms A394T.
Identifiers: ClinVar variation 1982114 (VCV001982114.4), dbSNP rs760446732, ClinGen allele CA4110621.

ClinVar aggregate classification (germline): Uncertain significance. Review status: criteria provided, multiple submitters, no conflicts (2 of 4 stars). 2 submissions from 2 submitters: Uncertain significance (2). Last evaluated 2025-12-15.

Conditions:
Primary ciliary dyskinesia. Also called: Ciliary dyskinesia. Identifiers: Orphanet 244, MedGen C0008780, MONDO:0016575, HP:0012265.

Allele frequency attached by ClinVar (database versions not stated): gnomAD 0.00001; gnomAD exomes 0.00001; TOPMed 0.00001; ExAC 0.00003.
gnomAD v4.1: 18 of 1,613,524 alleles (0.0011%); highest among the groups gnomAD compares: Non-Finnish European, 0.0014%; no homozygotes.

Submissions (2):

Ambry Genetics
Classification: Uncertain significance for Primary ciliary dyskinesia. Last evaluated: 2025-12-15. Review status: criteria provided, single submitter. Criteria: Ambry Variant Classification Scheme 2023. Collection method: clinical testing. Allele origin: germline.
Comment: The c.1180G>A (p.A394T) alteration is located in exon 5 (coding exon 5) of the DNAAF5 gene. This alteration results from a G to A substitution at nucleotide position 1180, causing the alanine (A) at amino acid position 394 to be replaced by a threonine (T). Based on data from gnomAD, the A allele has an overall frequency of 0.002% (5/250228) total alleles studied. The highest observed frequency was 0.006% (1/16198) of African alleles. Based on insufficient or conflicting evidence, the clinical significance of this alteration remains unclear.

Labcorp Genetics (formerly Invitae), Labcorp
Classification: Uncertain significance for Primary ciliary dyskinesia. Last evaluated: 2023-11-28. Review status: criteria provided, single submitter. Criteria: Invitae Variant Classification Sherloc (09022015). Collection method: clinical testing. Allele origin: germline.
Comment: This sequence change replaces alanine, which is neutral and non-polar, with threonine, which is neutral and polar, at codon 394 of the DNAAF5 protein (p.Ala394Thr). This variant is present in population databases (rs760446732, gnomAD 0.007%). This variant has not been reported in the literature in individuals affected with DNAAF5-related conditions. ClinVar contains an entry for this variant (Variation ID: 1982114). Advanced modeling of protein sequence and biophysical properties (such as structural, functional, and spatial information, amino acid conservation, physicochemical variation, residue mobility, and thermodynamic stability) performed at Invitae indicates that this missense variant is not expected to disrupt DNAAF5 protein function with a negative predictive value of 80%. In summary, the available evidence is currently insufficient to determine the role of this variant in disease. Therefore, it has been classified as a Variant of Uncertain Significance.